The following is an entry in ClinVar:

ClinVar aggregate classification (germline): Pathogenic (1 of 4 stars; one submission).

Conditions:
Deficiency of hyaluronoglucosaminidase (MPS9). Also called: HYALURONIDASE DEFICIENCY; Mucopolysaccharidosis type 9; MPS IX. Identifiers: Orphanet 67041, MedGen C1291490, MONDO:0011093, OMIM 601492.

Submission:

Labcorp Genetics (formerly Invitae), Labcorp
Classification: Pathogenic for Deficiency of hyaluronoglucosaminidase. Last evaluated: 2020-11-21. Review status: criteria provided, single submitter. Criteria: Invitae Variant Classification Sherloc (09022015). Collection method: clinical testing. Allele origin: germline.
Comment: This sequence change creates a premature translational stop signal (p.Leu15Tyrfs*45) in the HYAL1 gene. It is expected to result in an absent or disrupted protein product. This variant is not present in population databases (ExAC no frequency). This variant has not been reported in the literature in individuals with HYAL1-related conditions. Loss-of-function variants in HYAL1 are known to be pathogenic (PMID: 10339581, 21559944). For these reasons, this variant has been classified as Pathogenic.

Literature cited by the submitters: PubMed 10339581; PubMed 21559944.

NM_033159.4(HYAL1):c.44del (p.Leu15fs)

Gene: HYAL1 (hyaluronidase 1; minus strand). Cytogenetic location: 3p21.31.
Variant type: Deletion.
Coding change: c.44del on transcript NM_033159.4 (MANE Select); coding-DNA position 44, one base deleted (T; older notation c.44delT).
Protein change: p.Leu15fs; shifts the reading frame from leucine 15.
Molecular consequence: frameshift variant. On other transcripts: non-coding transcript variant (1), intron variant (2).
Genome position (GRCh38, 1-based): chr3:50,302,913, A deleted on the plus strand (T on the coding strand, the reverse complement: HYAL1 is on the minus strand); the first of 2 consecutive A bases (chr3:50,302,913-50,302,914); deleting either gives the same sequence. VCF-style (leftmost placement, unchanged base first): chr3-50302912-TA-T. GRCh37 (hg19) VCF-style: chr3-50340343-TA-T.
Other names: c.44del, p.Leu15fs (NM_153281.2, NM_153282.3); c.-27+553del (NM_153285.3); c.-213-290del (NM_153283.3); short protein forms L15fs.
Identifiers: ClinVar variation 951930 (VCV000951930.6), dbSNP rs1553713469, ClinGen allele CA542842693.